The following is an entry in ClinVar:

NM_018418.5(SPATA7):c.1259G>A (p.Gly420Asp)

Gene: SPATA7 (spermatogenesis associated 7; plus strand). Cytogenetic location: 14q31.3.
Variant type: single nucleotide variant.
Coding change: c.1259G>A on transcript NM_018418.5 (MANE Select); coding-DNA position 1259, G replaced by A.
Protein change: p.Gly420Asp; replaces glycine 420 with aspartic acid.
Molecular consequence: missense variant.
Genome position (GRCh38, 1-based): chr14:88,437,881, G>A. VCF-style: chr14-88437881-G-A. GRCh37 (hg19) VCF-style: chr14-88904225-G-A.
Other names: c.1163G>A, p.Gly388Asp (NM_001040428.4); short protein forms G388D, G420D.
Identifiers: ClinVar variation 1470197 (VCV001470197.9), dbSNP rs1351069069, ClinGen allele CA390570997.

ClinVar aggregate classification (germline): Uncertain significance. Review status: criteria provided, multiple submitters, no conflicts (2 of 4 stars). 2 submissions from 2 submitters: Uncertain significance (2). Last evaluated 2021-05-16.

Conditions:
Leber congenital amaurosis 3 (LCA3). Also called: SPATA7-Related Retinitis Pigmentosa. Identifiers: MedGen C1858677, MONDO:0011415, OMIM 604232.

Allele frequency attached by ClinVar (database versions not stated): gnomAD exomes below 0.00001 and 0.00001; TOPMed 0.00001.
gnomAD v4.1: 3 of 1,609,324 alleles (0.00019%); highest among the groups gnomAD compares: Non-Finnish European, 0.00025%; no homozygotes.

Submissions (2):

Labcorp Genetics (formerly Invitae), Labcorp
Classification: Uncertain significance for Leber congenital amaurosis 3. Last evaluated: 2021-05-16. Review status: criteria provided, single submitter. Criteria: Invitae Variant Classification Sherloc (09022015). Collection method: clinical testing. Allele origin: germline.
Comment: In summary, the available evidence is currently insufficient to determine the role of this variant in disease. Therefore, it has been classified as a Variant of Uncertain Significance. Algorithms developed to predict the effect of missense changes on protein structure and function (SIFT, PolyPhen-2, Align-GVGD) all suggest that this variant is likely to be disruptive, but these predictions have not been confirmed by published functional studies and their clinical significance is uncertain. This variant has not been reported in the literature in individuals with SPATA7-related conditions. This variant is not present in population databases (ExAC no frequency). This sequence change replaces glycine with aspartic acid at codon 420 of the SPATA7 protein (p.Gly420Asp). The glycine residue is highly conserved and there is a moderate physicochemical difference between glycine and aspartic acid.

Blueprint Genetics
Classification: Uncertain significance. Last evaluated: 2019-12-09. Review status: criteria provided, single submitter. Criteria: ACMG Guidelines, 2015. Collection method: clinical testing. Allele origin: germline.